The following is an entry in ClinVar:

ClinVar aggregate classification (germline): Benign (1 of 4 stars; one submission).

Allele frequency attached by ClinVar (database versions not stated): gnomAD 0.34131 and 0.34213; TOPMed 0.35299; 1000 Genomes Project 0.38718; 1000 Genomes Project 30x 0.38835.
gnomAD v4.1: 51,799 of 151,592 alleles (34%); highest among the groups gnomAD compares: East Asian, 47%; 9,333 homozygotes.

Submission:

GeneDx
Classification: Benign. Last evaluated: 2018-06-18. Review status: criteria provided, single submitter. Criteria: GeneDx Variant Classification (06012015). Collection method: clinical testing. Allele origin: germline. Affected: yes.
Comment: This variant is considered likely benign or benign based on one or more of the following criteria: it is a conservative change, it occurs at a poorly conserved position in the protein, it is predicted to be benign by multiple in silico algorithms, and/or has population frequency not consistent with disease.

NM_001127222.2(CACNA1A):c.1556-289A>T

Gene: CACNA1A (calcium voltage-gated channel subunit alpha1 A; minus strand). Cytogenetic location: 19p13.13.
Variant type: single nucleotide variant.
Coding change: c.1556-289A>T on transcript NM_001127222.2 (MANE Select); 289 bases into the intron before coding-DNA position 1556, A replaced by T.
Molecular consequence: intron variant.
Genome position (GRCh38, 1-based): chr19:13,313,070, T>A on the plus strand (A>T on the coding strand, the complement: CACNA1A is on the minus strand). VCF-style: chr19-13313070-T-A. GRCh37 (hg19) VCF-style: chr19-13423884-T-A.
Other names: c.1559-289A>T (NM_001127221.2, NM_001174080.2, NM_000068.4 and 1 more transcripts).
Identifiers: ClinVar variation 668048 (VCV000668048.1), dbSNP rs10414027, ClinGen allele CA15954918.